The following is an entry in ClinVar:

NM_000350.3(ABCA4):c.1804C>T (p.Arg602Trp)

Gene: ABCA4 (ATP binding cassette subfamily A member 4; minus strand). Cytogenetic location: 1p22.1.
Variant type: single nucleotide variant.
Coding change: c.1804C>T on transcript NM_000350.3 (MANE Select); coding-DNA position 1804, C replaced by T.
Protein change: p.Arg602Trp; replaces arginine 602 with tryptophan.
Molecular consequence: missense variant.
Genome position (GRCh38, 1-based): chr1:94,062,710, G>A on the plus strand (C>T on the coding strand, the complement: ABCA4 is on the minus strand). VCF-style: chr1-94062710-G-A. GRCh37 (hg19) VCF-style: chr1-94528266-G-A.
Other names: NP_000341.2:p.(Arg602Trp); NM_000350.3(ABCA4):c.1804C>T; c.1804C>T, p.Arg602Trp (NM_001425324.1); short protein forms R602W.
Identifiers: ClinVar variation 99084 (VCV000099084.45), dbSNP rs61749409, ClinGen allele CA226932.
Genomic context (GRCh38, chr1:94,062,710, plus strand): 5'-TCCTTGTGATCCCCTGTTCAACCATGTCCTGCAGATAGGCAAACCCGCCCCAGATGTACC[G>A]GAAATCTTCCACGGGATCAGCTCTGGGACCAGAATCCCAATACCTGAGAAGACACAGAGG-3'
Protein context (NP_000341.2, residues 592-612): GPRADPVEDF[Arg602Trp]YIWGGFAYLQ

ClinVar aggregate classification (germline): Pathogenic. Review status: reviewed by expert panel (3 of 4 stars). 28 submissions from 27 submitters: Pathogenic (1). 27 of the submissions do not count toward it. Last evaluated 2025-12-05.

Conditions:
ABCA4-related retinopathy. Also called: ABCA4-related retinoapthy; ABCA4 retinoapthy. Identifiers: MedGen CN322612, MONDO:0800406.
ABCA4-related disorder. Also called: ABCA4-related disorders; ABCA4-related condition. Identifiers: MedGen CN239167.
Retinal dystrophy. Also called: Inherited retinal dystrophy. Identifiers: Orphanet 71862, MedGen C0854723, MeSH D058499, MONDO:0019118, HP:0000556.
Severe early-childhood-onset retinal dystrophy (STGD1). Also called: MACULAR DYSTROPHY WITH FLECKS, TYPE 1; STGD; Stargardt macular dystrophy; Juvenile onset macular degeneration; Stargardt disease 1. Identifiers: Orphanet 364055, Orphanet 827, MedGen C1855465, MeSH D000080362, MONDO:0009549, OMIM 248200.
Retinitis pigmentosa 19 (RP19). Also called: ABCA4-Related Retinitis Pigmentosa. Identifiers: Orphanet 791, MedGen C1866422, MONDO:0011137, OMIM 601718.
Cone-rod dystrophy 3 (CORD3). Identifiers: Orphanet 1872, MedGen C1858806, MONDO:0011395, OMIM 604116.
Age related macular degeneration 2. Also called: MACULAR DEGENERATION, SENILE; MACULOPATHY, AGE-RELATED, 2; MACULOPATHY, AGE-RELATED. Identifiers: MedGen C3495438, MONDO:0007932, OMIM 153800.
Retinitis pigmentosa (RP). Identifiers: Orphanet 791, MedGen C0035334, MeSH D012174, MONDO:0019200, OMIM 268000. Inheritance: Autosomal dominant, autosomal recessive and X linked inheritance.
Stargardt disease (FFM). Also called: Fundus flavimaculatus; Stargardt's disease. Identifiers: Orphanet 827, MedGen C0271093, MONDO:0019353.
Stargardt disease 3. Also called: MACULAR DYSTROPHY WITH FLECKS, TYPE 3; STARGARDT-LIKE MACULAR DYSTROPHY, AUTOSOMAL DOMINANT. Identifiers: Orphanet 827, MedGen C1838644, MONDO:0010819, OMIM 600110.

Allele frequency attached by ClinVar (database versions not stated): gnomAD exomes 0.00004 and 0.00002; gnomAD 0.00002; ExAC 0.00005; TOPMed 0.00003.
gnomAD v4.1: 37 of 1,613,984 alleles (0.0023%); highest among the groups gnomAD compares: East Asian, 0.013%; no homozygotes.

Submissions 1 to 8 of 28:

ClinGen ABCA4 Variant Curation Expert Panel, Clingen
Classification: Pathogenic for ABCA4-related retinopathy. Last evaluated: 2025-12-05. Review status: reviewed by expert panel. Criteria: ClinGen ABCA4 ACMG Specifications V1.0.0. Collection method: curation. Allele origin: germline. Inheritance: Autosomal recessive inheritance.
Comment: The NM_000350.3:c.1804C>T variant in ABCA4 is a missense variant predicted to cause substitution of arginine by tryptophan at amino acid 602 (p.Arg602Trp). The total minor allele frequency in gnomAD v4.1.0 is 0.00002292 (37/1613984 alleles), which is lower than the ClinGen ABCA4 VCEP’s threshold for PM2_Supporting (<0.0001). The computational predictor REVEL gives a score of 0.934 which is above the threshold of >0.772, evidence that predicts a damaging effect on ABCA4 function (PP3_Moderate). The prevalence of the variant in affected individuals is significantly increased compared with the prevalence in controls. The odds ratio is 276.1 and the confidence interval is 131.28 to 703.91, which is above the ABCA4 VCEP threshold of >5, where the CI does not contain 1 (PS4; PMID: 35120629). This variant has been detected in at least two individuals with ABCA4-related retinopathy. At least one patient with this variant met criteria for the ABCA4-related retinopathy phenotype (PP4, PMID: 24444108). Of those individuals, one was compound heterozygous for the variant and a pathogenic, confirmed in trans by Sanger sequencing or familial testing (PMID: 26161775). The other individual was homozygous for the variant (PM3, PMID: 24444108). In summary, this variant meets the criteria to be classified as Pathogenic for ABCA4-related retinopathy based on the ACMG/AMP criteria applied, as specified by the ClinGen ABCA4 VCEP (v.1.0.0): PS4, PM3, PP3_Moderate, PP4, PM2_Supporting.

OLLIN Analises Genomicas, OLLIN
Classification: Pathogenic for Cone-rod dystrophy 3. Last evaluated: 2026-08-06. Review status: criteria provided, single submitter. Criteria: ACMG Guidelines 2015 PMID 25741868. Collection method: clinical testing. Allele origin: germline. Inheritance: Autosomal recessive inheritance. Not counted in ClinVar's aggregate classification.
Comment: This missense variant, located in exon 13 (of 50), has been reported in ClinVar (accession VCV000099084.42) and in gnomAD with an allele frequency of 0.0023%. However, to our knowledge, it has not been reported in the scientific literature. Functional studies suggest that this variant may affect protein function, and in silico analysis predicts a deleterious effect. This variant is located in a region considered to be a mutational hotspot. Another pathogenic variant affecting the same amino acid residue has been reported. According to the currently available evidence, this variant has been classified as pathogenic (PS3_M, PS4, PM1, PM2_P, PM3_VS, PM5, PP1, PP3_S).

PreventionGenetics, part of Exact Sciences
Classification: Pathogenic for ABCA4-related condition. Last evaluated: 2026-07-20. Review status: criteria provided, single submitter. Criteria: ACMG Guidelines, 2015. Collection method: clinical testing. Allele origin: germline. Not counted in ClinVar's aggregate classification.
Comment: The ABCA4 c.1804C>T variant is predicted to result in the amino acid substitution p.Arg602Trp. This variant has been reported in multiple individuals with ABCA4-related retinal disease (Lewis et al. 1999. PubMed ID: 9973280; Riveiro-Alvarez et al. 2013. PubMed ID: 23755871; Xin et al. 2015. PubMed ID: 26161775). Of note, this variant has been reported to cause mislocalized protein and results in an early disease onset and severe disease phenotype (Wiszniewski et al. 2005. PubMed ID: 16103129). This variant is present in 0.027% of alleles in individuals of East Asian descent in gnomAD, and a study of the frequency of this variant in affected individuals versus the general population has classified this variant as severe (Table S2A, Cornelis et al. 2022. PubMed ID: 35120629). This variant is interpreted as pathogenic.

Medical and Scientific Branch, Hong Kong Genome Institute
Classification: Pathogenic for Severe early-childhood-onset retinal dystrophy. Last evaluated: 2026-01-26. Review status: criteria provided, single submitter. Criteria: ACMG Guidelines, 2015. Collection method: clinical testing. Allele origin: biparental. Affected: yes. Not counted in ClinVar's aggregate classification.

Labcorp Genetics (formerly Invitae), Labcorp
Classification: Pathogenic. Last evaluated: 2026-01-21. Review status: criteria provided, single submitter. Criteria: Invitae Variant Classification Sherloc (09022015). Collection method: clinical testing. Allele origin: germline. Not counted in ClinVar's aggregate classification.
Comment: This sequence change replaces arginine, which is basic and polar, with tryptophan, which is neutral and slightly polar, at codon 602 of the ABCA4 protein (p.Arg602Trp). This variant is present in population databases (rs61749409, gnomAD 0.03%). This missense change has been observed in individuals with Stargardt disease and autosomal recessive retinitis pigmentosa (PMID: 16103129, 23755871). ClinVar contains an entry for this variant (Variation ID: 99084). Invitae Evidence Modeling of protein sequence and biophysical properties (such as structural, functional, and spatial information, amino acid conservation, physicochemical variation, residue mobility, and thermodynamic stability) indicates that this missense variant is expected to disrupt ABCA4 protein function with a positive predictive value of 95%. Experimental studies have shown that this missense change affects ABCA4 function (PMID: 16103129). This variant disrupts the p.Arg602 amino acid residue in ABCA4. Other variant(s) that disrupt this residue have been determined to be pathogenic (PMID: 20696155, 22449572, 23982839, 25472526, 25910913). This suggests that this residue is clinically significant, and that variants that disrupt this residue are likely to be disease-causing. For these reasons, this variant has been classified as Pathogenic.

SingHealth Duke-NUS Institute of Precision Medicine
Classification: Pathogenic for Severe early-childhood-onset retinal dystrophy. Last evaluated: 2025-02-05. Review status: criteria provided, single submitter. Criteria: PRISM ACMG Classification Criteria. Collection method: clinical testing. Allele origin: germline. Affected: yes. Not counted in ClinVar's aggregate classification.
Comment: REVEL score is 0.934 (PP3_str). Other variants at this amino acid residue have been classified as pathogenic (PM5, p.Arg602Pro; p.Arg602Gln) + Variant is located in a mutational hotspot where >50% of variants are pathogenic (PM1) + Homozygous allele count in gnomAD exomes and genomes are less than 0 (PM2). Studies have shown the variant affects protein function (PS3, PMID:16103135)

Blueprint Genetics
Classification: Pathogenic for ABCA4-related disorders. Last evaluated: 2024-10-29. Review status: criteria provided, single submitter. Criteria: ACMG Guidelines, 2015. Collection method: clinical testing. Allele origin: germline. Affected: yes. Observed: 5 variant alleles. Not counted in ClinVar's aggregate classification.

Fulgent Genetics
Classification: Pathogenic for Age related macular degeneration 2; Severe early-childhood-onset retinal dystrophy; Retinitis pigmentosa 19; Cone-rod dystrophy 3. Last evaluated: 2024-03-06. Review status: criteria provided, single submitter. Criteria: ACMG Guidelines, 2015. Collection method: clinical testing. Allele origin: germline. Not counted in ClinVar's aggregate classification.